The following is an entry in ClinVar:

NM_000257.4(MYH7):c.5066G>C (p.Arg1689Pro)

Genes: MHRT (myosin heavy chain associated RNA transcript; plus strand), MYH7 (myosin heavy chain 7; minus strand), LOC126861897 (BRD4-independent group 4 enhancer GRCh37_chr14:23884455-23885654; plus strand). Cytogenetic location: 14q11.2.
Variant type: single nucleotide variant.
Coding change: c.5066G>C on transcript NM_000257.4 (MANE Select); coding-DNA position 5066, G replaced by C.
Protein change: p.Arg1689Pro; replaces arginine 1689 with proline.
Molecular consequence: missense variant. On other transcripts: non-coding transcript variant (1).
Genome position (GRCh38, 1-based): chr14:23,415,720, C>G on the plus strand (G>C on the coding strand, the complement: MYH7 is on the minus strand). VCF-style: chr14-23415720-C-G. GRCh37 (hg19) VCF-style: chr14-23884929-C-G.
Other names: c.5066G>C, p.Arg1689Pro (NM_001407004.1); short protein forms R1689P.
Identifiers: ClinVar variation 1999716 (VCV001999716.4), dbSNP rs772008016, ClinGen allele CA389037030.

ClinVar aggregate classification (germline): Uncertain significance (1 of 4 stars; one submission).

Conditions:
Hypertrophic cardiomyopathy. Also called: HYPERTROPHIC MYOCARDIOPATHY. Identifiers: Orphanet 217569, MedGen C0007194, MeSH D002312, MONDO:0005045, HP:0001639.

Submission:

Labcorp Genetics (formerly Invitae), Labcorp
Classification: Uncertain significance for Hypertrophic cardiomyopathy. Last evaluated: 2022-05-27. Review status: criteria provided, single submitter. Criteria: Invitae Variant Classification Sherloc (09022015). Collection method: clinical testing. Allele origin: germline.
Comment: In summary, the available evidence is currently insufficient to determine the role of this variant in disease. Therefore, it has been classified as a Variant of Uncertain Significance. This sequence change replaces arginine, which is basic and polar, with proline, which is neutral and non-polar, at codon 1689 of the MYH7 protein (p.Arg1689Pro). This variant is not present in population databases (gnomAD no frequency). This variant has not been reported in the literature in individuals affected with MYH7-related conditions. Algorithms developed to predict the effect of missense changes on protein structure and function are either unavailable or do not agree on the potential impact of this missense change (SIFT: "Deleterious"; PolyPhen-2: "Probably Damaging"; Align-GVGD: "Class C0").